The following is an entry in ClinVar:

ClinVar aggregate classification (germline): Uncertain significance (1 of 4 stars; one submission).

Conditions:
Severe combined immunodeficiency due to IKK2 deficiency. Also called: IMMUNODEFICIENCY 15B; Immunodeficiency 15. Identifiers: Orphanet 397787, MedGen C4747743, MONDO:0014267, OMIM 615592.

Submission:

Labcorp Genetics (formerly Invitae), Labcorp
Classification: Uncertain significance for Severe combined immunodeficiency due to IKK2 deficiency. Last evaluated: 2025-05-27. Review status: criteria provided, single submitter. Criteria: Invitae Variant Classification Sherloc (09022015). Collection method: clinical testing. Allele origin: germline.
Comment: This sequence change replaces glutamic acid, which is acidic and polar, with glutamine, which is neutral and polar, at codon 81 of the IKBKB protein (p.Glu81Gln). This variant is not present in population databases (gnomAD no frequency). This variant has not been reported in the literature in individuals affected with IKBKB-related conditions. ClinVar contains an entry for this variant (Variation ID: 3637078). Invitae Evidence Modeling of protein sequence and biophysical properties (such as structural, functional, and spatial information, amino acid conservation, physicochemical variation, residue mobility, and thermodynamic stability) indicates that this missense variant is not expected to disrupt IKBKB protein function with a negative predictive value of 95%. In summary, the available evidence is currently insufficient to determine the role of this variant in disease. Therefore, it has been classified as a Variant of Uncertain Significance.

NM_001556.3(IKBKB):c.241G>C (p.Glu81Gln)

Gene: IKBKB (inhibitor of nuclear factor kappa B kinase subunit beta; plus strand). Cytogenetic location: 8p11.21.
Variant type: single nucleotide variant.
Coding change: c.241G>C on transcript NM_001556.3 (MANE Select); coding-DNA position 241, G replaced by C.
Protein change: p.Glu81Gln; replaces glutamic acid 81 with glutamine.
Molecular consequence: missense variant. On other transcripts: non-coding transcript variant (3).
Genome position (GRCh38, 1-based): chr8:42,290,196, G>C. VCF-style: chr8-42290196-G-C. GRCh37 (hg19) VCF-style: chr8-42147714-G-C.
Other names: c.49G>C, p.Glu17Gln (NM_001190720.3); c.64G>C, p.Glu22Gln (NM_001242778.2); short protein forms E22Q, E81Q, E17Q.
Identifiers: ClinVar variation 3637078 (VCV003637078.2).